The following is an entry in ClinVar:

ClinVar aggregate classification (germline): Uncertain significance (1 of 4 stars; one submission).

Conditions:
Hereditary pancreatitis (PCTT). Also called: Hereditary chronic pancreatitis; PRSS1-Related Hereditary Pancreatitis. Identifiers: Orphanet 676, MedGen C0238339, MONDO:0008185, OMIM 167800.

Submission:

Ambry Genetics
Classification: Uncertain significance for Hereditary pancreatitis. Last evaluated: 2025-11-05. Review status: criteria provided, single submitter. Criteria: Ambry Variant Classification Scheme 2023. Collection method: clinical testing. Allele origin: germline.
Comment: The p.G74R variant (also known as c.220G>A), located in coding exon 3 of the PRSS1 gene, results from a G to A substitution at nucleotide position 220. The glycine at codon 74 is replaced by arginine, an amino acid with dissimilar properties. This amino acid position is conserved. In addition, this alteration is predicted to be deleterious by in silico analysis. Since supporting evidence is limited at this time, the clinical significance of this alteration remains unclear.

NM_002769.5(PRSS1):c.220G>A (p.Gly74Arg)

Genes: TRB (T cell receptor beta locus; plus strand), PRSS1 (serine protease 1; plus strand). Cytogenetic location: 7q34.
Variant type: single nucleotide variant.
Coding change: c.220G>A on transcript NM_002769.5 (MANE Select); coding-DNA position 220, G replaced by A.
Protein change: p.Gly74Arg; replaces glycine 74 with arginine.
Molecular consequence: missense variant. On other transcripts: non-coding transcript variant (2).
Genome position (GRCh38, 1-based): chr7:142,751,793, G>A. VCF-style: chr7-142751793-G-A. GRCh37 (hg19) VCF-style: chr7-142459644-G-A.
Other names: short protein forms G74R.
Identifiers: ClinVar variation 2561591 (VCV002561591.3), dbSNP rs1166447807, ClinGen allele CA369608392.
Genomic context (GRCh38, chr7:142,751,793, plus strand): 5'-CTGTGGGAGAAGGTCTTCACCATGCCTGCCCTGCCCATCAGCCGCATCCAGGTGAGACTG[G>A]GAGAGCACAACATCGAAGTCCTGGAGGGGAATGAGCAGTTCATCAATGCAGCCAAGATCA-3'
Protein context (NP_002760.1, residues 64-84): CYKSRIQVRL[Gly74Arg]EHNIEVLEGN